The following is an entry in ClinVar:

NM_213595.4(ISCU):c.292G>A (p.Ala98Thr)

Gene: ISCU (iron-sulfur cluster assembly enzyme; plus strand). Cytogenetic location: 12q23.3.
Variant type: single nucleotide variant.
Coding change: c.292G>A on transcript NM_213595.4 (MANE Select); coding-DNA position 292, G replaced by A.
Protein change: p.Ala98Thr; replaces alanine 98 with threonine.
Molecular consequence: missense variant. On other transcripts: non-coding transcript variant (1).
Genome position (GRCh38, 1-based): chr12:108,565,384, G>A. VCF-style: chr12-108565384-G-A. GRCh37 (hg19) VCF-style: chr12-108959160-G-A.
Other names: c.292G>A, p.Ala98Thr (NM_001301140.1, NM_001301141.1, NM_001320042.1); c.217G>A, p.Ala73Thr (NM_014301.4); short protein forms A73T, A98T.
Identifiers: ClinVar variation 1976772 (VCV001976772.5), dbSNP rs11548230, ClinGen allele CA243322286.

ClinVar aggregate classification (germline): Uncertain significance (1 of 4 stars; one submission).

Allele frequency attached by ClinVar (database versions not stated): gnomAD exomes 0.00001; TOPMed 0.00002.

Submission:

Labcorp Genetics (formerly Invitae), Labcorp
Classification: Uncertain significance. Last evaluated: 2022-02-17. Review status: criteria provided, single submitter. Criteria: Invitae Variant Classification Sherloc (09022015). Collection method: clinical testing. Allele origin: germline.
Comment: In summary, the available evidence is currently insufficient to determine the role of this variant in disease. Therefore, it has been classified as a Variant of Uncertain Significance. Algorithms developed to predict the effect of missense changes on protein structure and function (SIFT, PolyPhen-2, Align-GVGD) all suggest that this variant is likely to be disruptive. This variant has not been reported in the literature in individuals affected with ISCU-related conditions. This variant is not present in population databases (gnomAD no frequency). This sequence change replaces alanine, which is neutral and non-polar, with threonine, which is neutral and polar, at codon 98 of the ISCU protein (p.Ala98Thr).